The following is an entry in ClinVar:

NC_000012.12:g.121626961C>T

Genes: ORAI1 (ORAI calcium release-activated calcium modulator 1; plus strand), LOC130008987 (ATAC-STARR-seq lymphoblastoid silent region 4981; plus strand). Cytogenetic location: 12q24.31.
Variant type: single nucleotide variant.
Molecular consequence: non-coding transcript variant (on NR_186857.1).
Genome position: GRCh38 VCF-style: chr12-121626961-C-T. GRCh37 (hg19) VCF-style: chr12-122064867-C-T.
Identifiers: ClinVar variation 4792097 (VCV004792097.1).

ClinVar aggregate classification (germline): Pathogenic (1 of 4 stars; one submission).

Conditions:
Combined immunodeficiency due to ORAI1 deficiency. Also called: IMMUNODEFICIENCY 9. Identifiers: Orphanet 169090, Orphanet 317428, MedGen C2748568, MONDO:0013007, OMIM 612782.
Myopathy, tubular aggregate, 2 (TAM2). Identifiers: MedGen C4014557, MONDO:0014383, OMIM 615883.

Submission:

Labcorp Genetics (formerly Invitae), Labcorp
Classification: Pathogenic for Myopathy, tubular aggregate, 2; Combined immunodeficiency due to ORAI1 deficiency. Last evaluated: 2025-10-01. Review status: criteria provided, single submitter. Criteria: Invitae Variant Classification Sherloc (09022015). Collection method: clinical testing. Allele origin: germline.
Comment: This sequence change creates a premature translational stop signal (p.Gln72*) in the ORAI1 gene. While this is not anticipated to result in nonsense mediated decay, it is expected to disrupt the last 230 amino acid(s) of the ORAI1 protein. This variant is present in population databases (rs782125665, gnomAD 0.007%). This variant has not been reported in the literature in individuals affected with ORAI1-related conditions. This variant disrupts a region of the ORAI1 protein in which other variant(s) (c.750dup) have been determined to be pathogenic (internal data). This suggests that this is a clinically significant region of the protein, and that variants that disrupt it are likely to be disease-causing. For these reasons, this variant has been classified as Pathogenic.